The following is an entry in ClinVar:

ClinVar aggregate classification (germline): Likely benign. Review status: criteria provided, multiple submitters, no conflicts (2 of 4 stars). 2 submissions from 2 submitters: Likely benign (2). Last evaluated 2026-07-01.

gnomAD v4.1: 1,359 of 1,612,932 alleles (0.084%); highest among the groups gnomAD compares: Non-Finnish European, 0.1%; 3 homozygotes.

Submissions (2):

CeGaT Center for Human Genetics Tuebingen
Classification: Likely benign. Last evaluated: 2026-07-01. Review status: criteria provided, single submitter. Criteria: CeGaT Center For Human Genetics Tuebingen Variant Classification Criteria Version 2. Collection method: clinical testing. Allele origin: germline. Affected: yes. Observed: 6 variant alleles.
Comment: MTSS2: BP4, BP7

Blueprint Genetics
Classification: Likely benign. Last evaluated: 2024-11-27. Review status: criteria provided, single submitter. Criteria: ACMG Guidelines, 2015. Collection method: clinical testing. Allele origin: germline.

NM_138383.3(MTSS2):c.543G>A (p.Thr181=)

Gene: MTSS2 (MTSS I-BAR domain containing 2; minus strand). Cytogenetic location: 16q22.1.
Variant type: single nucleotide variant.
Coding change: c.543G>A on transcript NM_138383.3 (MANE Select); coding-DNA position 543, G replaced by A.
Protein change: p.Thr181=; no amino-acid change (threonine 181 retained).
Molecular consequence: synonymous variant.
Genome position (GRCh38, 1-based): chr16:70,678,333, C>T on the plus strand (G>A on the coding strand, the complement: MTSS2 is on the minus strand). VCF-style: chr16-70678333-C-T. GRCh37 (hg19) VCF-style: chr16-70712236-C-T.
Identifiers: ClinVar variation 3777817 (VCV003777817.8).